The following is an entry in ClinVar:

ClinVar aggregate classification (germline): Conflicting classifications of pathogenicity. Review status: criteria provided, conflicting classifications (1 of 4 stars). 2 submissions from 2 submitters: Uncertain significance (1); Likely benign (1). Last evaluated 2025-06-09.

Conditions:
Developmental and epileptic encephalopathy, 30 (DEE30). Also called: Epileptic encephalopathy, early infantile, 30. Identifiers: MedGen C4225360, MONDO:0014595, OMIM 616341.

Submissions (2):

Labcorp Genetics (formerly Invitae), Labcorp
Classification: Uncertain significance for Developmental and epileptic encephalopathy, 30. Last evaluated: 2025-06-09. Review status: criteria provided, single submitter. Criteria: Invitae Variant Classification Sherloc (09022015). Collection method: clinical testing. Allele origin: germline.
Comment: This sequence change replaces alanine, which is neutral and non-polar, with threonine, which is neutral and polar, at codon 641 of the SIK1 protein (p.Ala641Thr). The frequency data for this variant in the population databases is considered unreliable, as metrics indicate poor data quality at this position in the gnomAD database. This variant has not been reported in the literature in individuals affected with SIK1-related conditions. ClinVar contains an entry for this variant (Variation ID: 1430389). Invitae Evidence Modeling of protein sequence and biophysical properties (such as structural, functional, and spatial information, amino acid conservation, physicochemical variation, residue mobility, and thermodynamic stability) indicates that this missense variant is not expected to disrupt SIK1 protein function with a negative predictive value of 95%. In summary, the available evidence is currently insufficient to determine the role of this variant in disease. Therefore, it has been classified as a Variant of Uncertain Significance.

Blueprint Genetics
Classification: Likely benign. Last evaluated: 2024-01-29. Review status: criteria provided, single submitter. Criteria: ACMG Guidelines, 2015. Collection method: clinical testing. Allele origin: germline.

NM_173354.5(SIK1):c.1921G>A (p.Ala641Thr)

Gene: SIK1 (salt inducible kinase 1; minus strand). Cytogenetic location: 21q22.3.
Variant type: single nucleotide variant.
Coding change: c.1921G>A on transcript NM_173354.5 (MANE Select); coding-DNA position 1921, G replaced by A.
Protein change: p.Ala641Thr; replaces alanine 641 with threonine.
Molecular consequence: missense variant.
Genome position (GRCh38, 1-based): chr21:43,417,598, C>T on the plus strand (G>A on the coding strand, the complement: SIK1 is on the minus strand). VCF-style: chr21-43417598-C-T. GRCh37 (hg19) VCF-style: chr21-44837478-C-T.
Other names: short protein forms A641T.
Identifiers: ClinVar variation 1430389 (VCV001430389.9), dbSNP rs368632078, ClinGen allele CA321324807.
Genomic context (GRCh38, chr21:43,417,598, plus strand): 5'-CCTACCTCTGCTGCTCTAGCACCTCCTCCAGCAGGCTCCAGCCCTCCCGGCTGCCGGCTG[C>T]GCCGCCGTGCAGGCCTGGGCTCTGTGCAGGGGCGTGGAAGGGGCTCAGGCCGCCCCTGCT-3'
Protein context (NP_775490.2, residues 631-651): PAQSPGLHGG[Ala641Thr]AGSREGWSLL